The following is an entry in ClinVar:

ClinVar aggregate classification (germline): Uncertain significance. Review status: criteria provided, multiple submitters, no conflicts (2 of 4 stars). 2 submissions from 2 submitters: Uncertain significance (2). Last evaluated 2025-11-17.

Conditions:
Episodic ataxia type 2 (EA2). Also called: ATAXIA, EPISODIC, WITH NYSTAGMUS; ATAXIA, FAMILIAL PAROXYSMAL; CEREBELLAR ATAXIA, PAROXYSMAL, ACETAZOLAMIDE-RESPONSIVE; CEREBELLOPATHY, HEREDITARY PAROXYSMAL; EPISODIC ATAXIA, NYSTAGMUS-ASSOCIATED; ACETAZOLAMIDE-RESPONSIVE HEREDITARY PAROXYSMAL CEREBELLAR ATAXIA. Identifiers: Orphanet 97, MedGen C1720416, MONDO:0007163, OMIM 108500.
Developmental and epileptic encephalopathy, 42 (DEE42A). Also called: DEVELOPMENTAL AND EPILEPTIC ENCEPHALOPATHY 42A; EPILEPTIC ENCEPHALOPATHY, EARLY INFANTILE, 42A; Epileptic encephalopathy, early infantile, 42. Identifiers: MedGen C4310716, MONDO:0014917, OMIM 617106.

Allele frequency attached by ClinVar (database versions not stated): gnomAD 0.00001; TOPMed 0.00001.
gnomAD v4.1: 2 of 1,498,112 alleles (0.00013%); highest among the groups gnomAD compares: Non-Finnish European, 0.00018%; no homozygotes.

Submissions (2):

Labcorp Genetics (formerly Invitae), Labcorp
Classification: Uncertain significance for Developmental and epileptic encephalopathy, 42; Episodic ataxia type 2. Last evaluated: 2025-11-17. Review status: criteria provided, single submitter. Criteria: Invitae Variant Classification Sherloc (09022015). Collection method: clinical testing. Allele origin: germline.
Comment: This sequence change replaces glycine, which is neutral and non-polar, with valine, which is neutral and non-polar, at codon 992 of the CACNA1A protein (p.Gly992Val). This variant is not present in population databases (gnomAD no frequency). This variant has not been reported in the literature in individuals affected with CACNA1A-related conditions. ClinVar contains an entry for this variant (Variation ID: 1361124). Invitae Evidence Modeling of protein sequence and biophysical properties (such as structural, functional, and spatial information, amino acid conservation, physicochemical variation, residue mobility, and thermodynamic stability) indicates that this missense variant is not expected to disrupt CACNA1A protein function with a negative predictive value of 95%. In summary, the available evidence is currently insufficient to determine the role of this variant in disease. Therefore, it has been classified as a Variant of Uncertain Significance.

GeneDx
Classification: Uncertain significance. Last evaluated: 2024-07-03. Review status: criteria provided, single submitter. Criteria: GeneDx Variant Classification Process June 2021. Collection method: clinical testing. Allele origin: germline. Affected: yes.
Comment: Not observed at significant frequency in large population cohorts (gnomAD); In silico analysis indicates that this missense variant does not alter protein structure/function; Has not been previously published as pathogenic or benign to our knowledge

NM_001127222.2(CACNA1A):c.2972G>T (p.Gly991Val)

Gene: CACNA1A (calcium voltage-gated channel subunit alpha1 A; minus strand). Cytogenetic location: 19p13.13.
Variant type: single nucleotide variant.
Coding change: c.2972G>T on transcript NM_001127222.2 (MANE Select); coding-DNA position 2972, G replaced by T.
Protein change: p.Gly991Val; replaces glycine 991 with valine.
Molecular consequence: missense variant.
Genome position (GRCh38, 1-based): chr19:13,298,661, C>A on the plus strand (G>T on the coding strand, the complement: CACNA1A is on the minus strand). VCF-style: chr19-13298661-C-A. GRCh37 (hg19) VCF-style: chr19-13409475-C-A.
Other names: c.2984G>T, p.Gly995Val (NM_000068.4, NM_023035.3); c.2975G>T, p.Gly992Val (NM_001127221.2, NM_001174080.2); c.2975G>T (NM_001127221.1); short protein forms G991V, G992V, G995V.
Identifiers: ClinVar variation 1361124 (VCV001361124.9), dbSNP rs2057722221, ClinGen allele CA404342338.